The following is an entry in ClinVar:

NM_005228.5(EGFR):c.2091A>C (p.Glu697Asp)

Gene: EGFR (epidermal growth factor receptor; plus strand). Cytogenetic location: 7p11.2.
Variant type: single nucleotide variant.
Coding change: c.2091A>C on transcript NM_005228.5 (MANE Select); coding-DNA position 2091, A replaced by C.
Protein change: p.Glu697Asp; replaces glutamic acid 697 with aspartic acid.
Molecular consequence: missense variant.
Genome position (GRCh38, 1-based): chr7:55,173,950, A>C. VCF-style: chr7-55173950-A-C. GRCh37 (hg19) VCF-style: chr7-55241643-A-C.
Other names: c.2091A>C (NM_005228.3); c.1956A>C, p.Glu652Asp (NM_001346899.2, NM_001346897.2); c.1932A>C, p.Glu644Asp (NM_001346900.2); c.1290A>C, p.Glu430Asp (NM_001346941.2); c.2091A>C, p.Glu697Asp (NM_001346898.2); short protein forms E430D, E644D, E652D, E697D.
Identifiers: ClinVar variation 1007424 (VCV001007424.9), dbSNP rs1786474510, ClinGen allele CA367583471.
Genomic context (GRCh38, chr7:55,173,950, plus strand): 5'-ACCCTTGTCTCTGTGTTCTTGTCCCCCCCAGCTTGTGGAGCCTCTTACACCCAGTGGAGA[A>C]GCTCCCAACCAAGCTCTCTTGAGGATCTTGAAGGAAACTGAATTCAAAAAGATCAAAGTG-3'
Protein context (NP_005219.2, residues 687-707): ELVEPLTPSG[Glu697Asp]APNQALLRIL

ClinVar aggregate classification (germline): Uncertain significance. Review status: criteria provided, multiple submitters, no conflicts (2 of 4 stars). 2 submissions from 2 submitters: Uncertain significance (2). Last evaluated 2026-09-14.

Conditions:
EGFR-related lung cancer (EGFR). Identifiers: MedGen CN130014.
Hereditary cancer-predisposing syndrome. Also called: Tumor predisposition; Hereditary Cancer Syndrome; Hereditary neoplastic syndrome; Neoplastic Syndromes, Hereditary. Identifiers: Orphanet 140162, MedGen C0027672, MeSH D009386, MONDO:0015356.

Allele frequency attached by ClinVar (database versions not stated): gnomAD exomes below 0.00001.
gnomAD v4.1: 2 of 1,614,202 alleles (0.00012%); highest among the groups gnomAD compares: Non-Finnish European, 0.00017%; no homozygotes.

Submissions (2):

Ambry Genetics
Classification: Uncertain significance for Hereditary cancer-predisposing syndrome. Last evaluated: 2026-09-14. Review status: criteria provided, single submitter. Criteria: Ambry Variant Classification Scheme 2023. Collection method: clinical testing. Allele origin: germline.
Comment: The p.E697D variant (also known as c.2091A>C), located in coding exon 18 of the EGFR gene, results from an A to C substitution at nucleotide position 2091. The glutamic acid at codon 697 is replaced by aspartic acid, an amino acid with highly similar properties. This amino acid position is well conserved in available vertebrate species. In addition, this alteration is predicted to be tolerated by in silico analysis. Based on the available evidence, the clinical significance of this variant remains unclear.

Labcorp Genetics (formerly Invitae), Labcorp
Classification: Uncertain significance for EGFR-related lung cancer. Last evaluated: 2025-10-23. Review status: criteria provided, single submitter. Criteria: Invitae Variant Classification Sherloc (09022015). Collection method: clinical testing. Allele origin: germline.
Comment: This sequence change replaces glutamic acid, which is acidic and polar, with aspartic acid, which is acidic and polar, at codon 697 of the EGFR protein (p.Glu697Asp). This variant is not present in population databases (gnomAD no frequency). This variant has not been reported in the literature in individuals affected with EGFR-related conditions. ClinVar contains an entry for this variant (Variation ID: 1007424). Invitae Evidence Modeling of protein sequence and biophysical properties (such as structural, functional, and spatial information, amino acid conservation, physicochemical variation, residue mobility, and thermodynamic stability) indicates that this missense variant is not expected to disrupt EGFR protein function with a negative predictive value of 80%. In summary, the available evidence is currently insufficient to determine the role of this variant in disease. Therefore, it has been classified as a Variant of Uncertain Significance.